The following is an entry in ClinVar:

ClinVar aggregate classification (germline): Pathogenic (1 of 4 stars; one submission).

Conditions:
Desmoid disease, hereditary (DESMD). Also called: FIBROMATOSIS, FAMILIAL INFILTRATIVE. Identifiers: Orphanet 873, MedGen C1851124, OMIM 135290. Disease mechanism: loss of function.

Submission:

Baylor Genetics
Classification: Pathogenic for Desmoid disease, hereditary. Last evaluated: 2019-03-27. Review status: criteria provided, single submitter. Criteria: ACMG Guidelines, 2015. Collection method: clinical testing. Allele origin: unknown. Affected: yes. Study: CSER-TexasKidsCanSeq.
Comment: This variant was determined to be pathogenic according to ACMG Guidelines, 2015 [PMID:25741868].

NM_000038.6(APC):c.3692_3693insA (p.His1232fs)

Gene: APC (APC regulator of WNT signaling pathway; plus strand). Cytogenetic location: 5q22.2.
Variant type: Insertion.
Coding change: c.3692_3693insA on transcript NM_000038.6 (MANE Select); coding-DNA positions 3692 to 3693, A inserted.
Protein change: p.His1232fs; shifts the reading frame from histidine 1232.
Molecular consequence: frameshift variant.
Genome position: GRCh38 VCF-style: chr5-112839286-T-TA. GRCh37 (hg19) VCF-style: chr5-112174983-T-TA.
Other names: c.3692_3693insA, p.His1232fs (NM_001127510.3, NM_001354895.2); c.3638_3639insA, p.His1214fs (NM_001127511.3); c.3746_3747insA, p.His1250fs (NM_001354896.2); c.3722_3723insA, p.His1242fs (NM_001354897.2); c.3617_3618insA, p.His1207fs (NM_001354898.2); c.3608_3609insA, p.His1204fs (NM_001354899.2); c.3569_3570insA, p.His1191fs (NM_001354900.2); c.3515_3516insA, p.His1173fs (NM_001354901.2); and 5 more; short protein forms H1072fs, H1106fs, H1131fs, H1141fs, H1173fs, H1191fs, H1204fs, H1207fs.
Identifiers: ClinVar variation 997555 (VCV000997555.2), dbSNP rs1765495276, ClinGen allele CA913185104.